The following is an entry in ClinVar:

NM_000258.3(MYL3):c.261C>T (p.Pro87=)

Gene: MYL3 (myosin light chain 3; minus strand). Cytogenetic location: 3p21.31.
Variant type: single nucleotide variant.
Coding change: c.261C>T on transcript NM_000258.3 (MANE Select); coding-DNA position 261, C replaced by T.
Protein change: p.Pro87=; no amino-acid change (proline 87 retained).
Molecular consequence: synonymous variant.
Genome position (GRCh38, 1-based): chr3:46,860,722, G>A on the plus strand (C>T on the coding strand, the complement: MYL3 is on the minus strand). VCF-style: chr3-46860722-G-A. GRCh37 (hg19) VCF-style: chr3-46902212-G-A.
Identifiers: ClinVar variation 629700 (VCV000629700.19), dbSNP rs556711370, ClinGen allele CA043253.

ClinVar aggregate classification (germline): Benign/Likely benign. Review status: criteria provided, multiple submitters, no conflicts (2 of 4 stars). 9 submissions from 9 submitters: Benign (4); Likely benign (5). Last evaluated 2026-07-24.

Conditions:
MYL3-related disorder. Also called: MYL3-related condition.
Cardiomyopathy (CMYO). Also called: Cardiomyopathies. Identifiers: Orphanet 167848, MedGen C0878544, MONDO:0004994, HP:0001638. Inheritance: Various modes of inheritance.
Hypertrophic cardiomyopathy. Also called: HYPERTROPHIC MYOCARDIOPATHY. Identifiers: Orphanet 217569, MedGen C0007194, MeSH D002312, MONDO:0005045, HP:0001639.
Cardiovascular phenotype. Identifiers: MedGen CN230736.

Allele frequency attached by ClinVar (database versions not stated): gnomAD below 0.00001 and 0.00005; 1000 Genomes Project 0.00020; gnomAD exomes 0.00023; 1000 Genomes Project 30x 0.00031; ExAC 0.00031.
gnomAD v4.1: 169 of 1,614,142 alleles (0.01%); highest among the groups gnomAD compares: South Asian, 0.17%; 3 homozygotes.

Submissions (9):

Ambry Genetics
Classification: Likely benign for Cardiovascular phenotype. Last evaluated: 2026-07-24. Review status: criteria provided, single submitter. Criteria: Ambry Variant Classification Scheme 2023. Collection method: clinical testing. Allele origin: germline.

Labcorp Genetics (formerly Invitae), Labcorp
Classification: Benign for Hypertrophic cardiomyopathy. Last evaluated: 2025-11-10. Review status: criteria provided, single submitter. Criteria: Invitae Variant Classification Sherloc (09022015). Collection method: clinical testing. Allele origin: germline.

PreventionGenetics, part of Exact Sciences
Classification: Likely benign for MYL3-related condition. Last evaluated: 2025-10-22. Review status: criteria provided, single submitter. Criteria: ACMG Guidelines, 2015. Collection method: clinical testing. Allele origin: germline.
Comment: This variant is classified as likely benign based on ACMG/AMP sequence variant interpretation guidelines (Richards et al. 2015 PMID: 25741868, with internal and published modifications).

All of Us Research Program, National Institutes of Health
Classification: Benign for Hypertrophic cardiomyopathy. Last evaluated: 2024-01-09. Review status: criteria provided, single submitter. Criteria: ACMG Guidelines, 2015. Collection method: clinical testing. Allele origin: germline. Inheritance: Autosomal dominant inheritance. Observed: 8 variant alleles, 8 heterozygotes.
Comment: This study involves interpretation of variants in research participants for the purpose of population health screening. Participant phenotype was not available at the time of variant classification. Additional details can be found in publication PMID: 35346344, PMCID: PMC8962531

CHEO Genetics Diagnostic Laboratory, Children's Hospital of Eastern Ontario
Classification: Benign for Cardiomyopathy. Last evaluated: 2023-06-19. Review status: criteria provided, single submitter. Criteria: ACMG Guidelines, 2015. Collection method: clinical testing. Allele origin: germline.

Blueprint Genetics
Classification: Likely benign. Last evaluated: 2022-06-10. Review status: criteria provided, single submitter. Criteria: ACMG Guidelines, 2015. Collection method: clinical testing. Allele origin: germline.

Color Diagnostics, LLC DBA Color Health
Classification: Benign for Cardiomyopathy. Last evaluated: 2018-10-16. Review status: criteria provided, single submitter. Criteria: ACMG Guidelines, 2015. Collection method: clinical testing. Allele origin: germline.

GeneDx
Classification: Likely benign. Last evaluated: 2018-03-26. Review status: criteria provided, single submitter. Criteria: GeneDx Variant Classification (06012015). Collection method: clinical testing. Allele origin: germline. Affected: yes.
Comment: This variant is considered likely benign or benign based on one or more of the following criteria: it is a conservative change, it occurs at a poorly conserved position in the protein, it is predicted to be benign by multiple in silico algorithms, and/or has population frequency not consistent with disease.

Breakthrough Genomics
Classification: Likely benign. Review status: criteria provided, single submitter. Criteria: ACMG Guidelines, 2015. Collection method: not provided. Allele origin: germline. Inheritance: Autosomal dominant inheritance. Affected: yes.